The following is an entry in ClinVar:

ClinVar aggregate classification (germline): Uncertain significance (1 of 4 stars; one submission).

Conditions:
Myopathy with tubular aggregates (TAM). Also called: Tubular Aggregate Myopathy. Identifiers: Orphanet 2593, MedGen C0410207, MONDO:0008051.
Combined immunodeficiency due to STIM1 deficiency. Also called: IMMUNODEFICIENCY 10; STIM1 DEFICIENCY. Identifiers: Orphanet 169090, Orphanet 317430, MedGen C2748557, MONDO:0013008, OMIM 612783.
Stormorken syndrome (STRMK). Also called: THROMBOCYTOPATHY, ASPLENIA, AND MIOSIS. Identifiers: Orphanet 3204, MedGen C1861451, MONDO:0008497, OMIM 185070.

Submission:

Labcorp Genetics (formerly Invitae), Labcorp
Classification: Uncertain significance for Myopathy with tubular aggregates; Combined immunodeficiency due to STIM1 deficiency; Stormorken syndrome. Last evaluated: 2025-10-20. Review status: criteria provided, single submitter. Criteria: Invitae Variant Classification Sherloc (09022015). Collection method: clinical testing. Allele origin: germline.
Comment: This sequence change replaces serine, which is neutral and polar, with arginine, which is basic and polar, at codon 618 of the STIM1 protein (p.Ser618Arg). This variant is not present in population databases (gnomAD no frequency). This variant has not been reported in the literature in individuals affected with STIM1-related conditions. ClinVar contains an entry for this variant (Variation ID: 1719800). Invitae Evidence Modeling of protein sequence and biophysical properties (such as structural, functional, and spatial information, amino acid conservation, physicochemical variation, residue mobility, and thermodynamic stability) has been performed for this missense variant. However, the output from this modeling did not meet the statistical confidence thresholds required to predict the impact of this variant on STIM1 protein function. In summary, the available evidence is currently insufficient to determine the role of this variant in disease. Therefore, it has been classified as a Variant of Uncertain Significance.

NM_001382567.1(STIM1):c.1947C>A (p.Ser649Arg)

Genes: STIM1 (stromal interaction molecule 1; plus strand), LOC124418421 (Sharpr-MPRA regulatory region 9588; plus strand). Cytogenetic location: 11p15.4.
Variant type: single nucleotide variant.
Coding change: c.1947C>A on transcript NM_001382567.1 (MANE Select); coding-DNA position 1947, C replaced by A.
Protein change: p.Ser649Arg; replaces serine 649 with arginine.
Molecular consequence: missense variant. On other transcripts: 3 prime UTR variant (4), non-coding transcript variant (3).
Genome position (GRCh38, 1-based): chr11:4,091,594, C>A. VCF-style: chr11-4091594-C-A. GRCh37 (hg19) VCF-style: chr11-4112824-C-A.
Other names: c.2172C>A, p.Ser724Arg (NM_001277961.3); c.*268C>A (NM_001277962.2, NM_001382578.1, NM_001382579.1 and 1 more transcripts); c.1950C>A, p.Ser650Arg (NM_001382566.1); c.1875C>A, p.Ser625Arg (NM_001382568.1); c.1719C>A, p.Ser573Arg (NM_001382569.1); c.1626C>A, p.Ser542Arg (NM_001382570.1); c.1374C>A, p.Ser458Arg (NM_001382571.1); c.1632C>A, p.Ser544Arg (NM_001382575.1, NM_001382576.1, NM_001382577.1); and 2 more; short protein forms S455R, S458R, S542R, S544R, S573R, S618R, S625R, S649R.
Identifiers: ClinVar variation 1719800 (VCV001719800.6), dbSNP rs1590703531, ClinGen allele CA379197656.